The following is an entry in ClinVar:

NM_000419.5(ITGA2B):c.590A>G (p.Tyr197Cys)

Gene: ITGA2B (integrin subunit alpha 2b; minus strand). Cytogenetic location: 17q21.31.
Variant type: single nucleotide variant.
Coding change: c.590A>G on transcript NM_000419.5 (MANE Select); coding-DNA position 590, A replaced by G.
Protein change: p.Tyr197Cys; replaces tyrosine 197 with cysteine.
Molecular consequence: missense variant.
Genome position (GRCh38, 1-based): chr17:44,385,320, T>C on the plus strand (A>G on the coding strand, the complement: ITGA2B is on the minus strand). VCF-style: chr17-44385320-T-C. GRCh37 (hg19) VCF-style: chr17-42462688-T-C.
Other names: short protein forms Y197C.
Identifiers: ClinVar variation 1339143 (VCV001339143.2), dbSNP rs2143486113, ClinGen allele CA399805640.

ClinVar aggregate classification (germline): Uncertain significance (1 of 4 stars; one submission).

Conditions:
Platelet-type bleeding disorder 16 (BDPLT16). Also called: Bleeding disorder, platelet-type, 16, autosomal dominant. Identifiers: Orphanet 140957, MedGen C5442010, MONDO:0008552, OMIM 187800.

Allele frequency attached by ClinVar (database versions not stated): gnomAD exomes below 0.00001.

Submission:

Neuberg Centre For Genomic Medicine, NCGM
Classification: Uncertain significance for Platelet-type bleeding disorder 16. Review status: criteria provided, single submitter. Criteria: ACMG Guidelines, 2015. Collection method: clinical testing. Allele origin: germline. Affected: yes.
Comment: The missense variant p.Y197C in ITGA2B (NM_000419.5) has not been reported previously as a pathogenic variant nor as a benign variant, to our knowledge. The p.Y197C variant is novel (not in any individuals) in gnomAD Exomes and is novel (not in any individuals) in 1000 Genomes. The insilico prediction of the variant is damaging by SIFT. The gene ITGA2B contains 33 pathogenic missense variants, indicating that missense variants are a common mechanism of disease in this gene. 2 variants within 6 amino acid positions of the variant p.Y197C have been shown to be pathogenic, while none have been shown to be benign. For these reasons, this variant has been classified as Uncertain Significance.